The following is an entry in ClinVar:

NM_001080516.2(GRXCR2):c.681del (p.Arg228fs)

Gene: GRXCR2 (glutaredoxin and cysteine rich domain containing 2; minus strand). Cytogenetic location: 5q32.
Variant type: Deletion.
Coding change: c.681del on transcript NM_001080516.2 (MANE Select); coding-DNA position 681, one base deleted (T; older notation c.681delT).
Protein change: p.Arg228fs; shifts the reading frame from arginine 228.
Molecular consequence: frameshift variant.
Genome position (GRCh38, 1-based): chr5:145,859,799, A deleted on the plus strand (T on the coding strand, the reverse complement: GRXCR2 is on the minus strand). VCF-style (leftmost placement, unchanged base first): chr5-145859798-GA-G. GRCh37 (hg19) VCF-style: chr5-145239361-GA-G.
Other names: short protein forms R228fs.
Identifiers: ClinVar variation 2116598 (VCV002116598.4), dbSNP rs2532231178, ClinGen allele CA2580073008.

ClinVar aggregate classification (germline): Uncertain significance (1 of 4 stars; one submission).

Submission:

Labcorp Genetics (formerly Invitae), Labcorp
Classification: Uncertain significance. Last evaluated: 2022-04-25. Review status: criteria provided, single submitter. Criteria: Invitae Variant Classification Sherloc (09022015). Collection method: clinical testing. Allele origin: germline.
Comment: In summary, the available evidence is currently insufficient to determine the role of this variant in disease. Therefore, it has been classified as a Variant of Uncertain Significance. Experimental studies and prediction algorithms are not available or were not evaluated, and the functional significance of this variant is currently unknown. This variant has not been reported in the literature in individuals affected with GRXCR2-related conditions. This variant is not present in population databases (gnomAD no frequency). This sequence change creates a premature translational stop signal (p.Arg228Glyfs*3) in the GRXCR2 gene. While this is not anticipated to result in nonsense mediated decay, it is expected to disrupt the last 21 amino acid(s) of the GRXCR2 protein.